The following is an entry in ClinVar:

ClinVar aggregate classification (germline): Pathogenic (1 of 4 stars; one submission).

Submission:

CeGaT Center for Human Genetics Tuebingen
Classification: Pathogenic. Last evaluated: 2026-07-01. Review status: criteria provided, single submitter. Criteria: CeGaT Center For Human Genetics Tuebingen Variant Classification Criteria Version 2. Collection method: clinical testing. Allele origin: germline. Affected: yes. Observed: 1 variant allele.
Comment: WDR11: PVS1, PM2

NM_018117.12(WDR11):c.2754-2del

Gene: WDR11 (WD repeat domain 11; plus strand). Cytogenetic location: 10q26.12.
Variant type: Deletion.
Coding change: c.2754-2del on transcript NM_018117.12 (MANE Select); the canonical splice acceptor site of the intron before coding-DNA position 2754, one base deleted (A; older notation c.2754-2delA).
Molecular consequence: splice acceptor variant.
Genome position (GRCh38, 1-based): chr10:120,903,053, A deleted. VCF-style (leftmost placement, unchanged base first): chr10-120903052-CA-C. GRCh37 (hg19) VCF-style: chr10-122662564-CA-C.
Identifiers: ClinVar variation 5040062 (VCV005040062.1).